The following is an entry in ClinVar:

NM_018943.3(TUBA8):c.1173C>T (p.Leu391=)

Gene: TUBA8 (tubulin alpha 8; plus strand). Cytogenetic location: 22q11.21.
Variant type: single nucleotide variant.
Coding change: c.1173C>T on transcript NM_018943.3 (MANE Select); coding-DNA position 1173, C replaced by T.
Protein change: p.Leu391=; no amino-acid change (leucine 391 retained).
Molecular consequence: synonymous variant.
Genome position (GRCh38, 1-based): chr22:18,130,959, C>T. VCF-style: chr22-18130959-C-T. GRCh37 (hg19) VCF-style: chr22-18613726-C-T.
Other names: c.975C>T, p.Leu325= (NM_001193414.2).
Identifiers: ClinVar variation 799741 (VCV000799741.37), dbSNP rs201432541, ClinGen allele CA10093860.
Genomic context (GRCh38, chr22:18,130,959, plus strand): 5'-GCAGCGGGCCGTCTGCATGCTCAGCAACACCACGGCCATTGCGGAGGCCTGGGCCCGCCT[C>T]GACCACAAGTTCGACCTCATGTACGCCAAGCGGGCCTTTGTGCATTGGTATGTGGGAGAG-3'
Protein context (NP_061816.1, residues 381-401): TTAIAEAWAR[Leu391=]DHKFDLMYAK

ClinVar aggregate classification (germline): Benign/Likely benign. Review status: criteria provided, multiple submitters, no conflicts (2 of 4 stars). 4 submissions from 4 submitters: Benign (2); Likely benign (2). Last evaluated 2026-05-29.

Conditions:
TUBA8-related disorder. Also called: TUBA8-related condition.

Allele frequency attached by ClinVar (database versions not stated): ESP Exome Variant Server 0.00008; TOPMed 0.00014; 1000 Genomes Project 30x 0.00062; 1000 Genomes Project 0.00080; gnomAD exomes 0.00102 and 0.00222; gnomAD 0.00163 and 0.00166; ExAC 0.00192.
gnomAD v4.1: 1,746 of 1,614,106 alleles (0.11%); highest among the groups gnomAD compares: South Asian, 0.11%; 9 homozygotes.

Submissions (4):

PreventionGenetics, part of Exact Sciences
Classification: Likely benign for TUBA8-related condition. Last evaluated: 2026-05-29. Review status: criteria provided, single submitter. Criteria: ACMG Guidelines, 2015. Collection method: clinical testing. Allele origin: germline.
Comment: This variant is classified as likely benign based on ACMG/AMP sequence variant interpretation guidelines (Richards et al. 2015 PMID: 25741868, with internal and published modifications).

Labcorp Genetics (formerly Invitae), Labcorp
Classification: Benign. Last evaluated: 2025-11-03. Review status: criteria provided, single submitter. Criteria: Invitae Variant Classification Sherloc (09022015). Collection method: clinical testing. Allele origin: germline.

CeGaT Center for Human Genetics Tuebingen
Classification: Likely benign. Last evaluated: 2022-09-01. Review status: criteria provided, single submitter. Criteria: CeGaT Center For Human Genetics Tuebingen Variant Classification Criteria Version 2. Collection method: clinical testing. Allele origin: germline. Affected: yes. Observed: 1 variant allele.
Comment: TUBA8: BP4, BP7

GeneDx
Classification: Benign. Last evaluated: 2018-09-27. Review status: criteria provided, single submitter. Criteria: GeneDx Variant Classification Process June 2021. Collection method: clinical testing. Allele origin: germline. Affected: yes.